The following is an entry in ClinVar:

ClinVar aggregate classification (germline): Likely benign (0 of 4 stars; one submission).

Conditions:
CFTR-related disorder (CFTR-RD). Also called: CFTR-related condition; CFTR-related disorders. Identifiers: MedGen C5924204, MONDO:7770004.

Allele frequency attached by ClinVar (database versions not stated): gnomAD exomes 0.00013; gnomAD 0.00001; TOPMed 0.00001.

Submission:

PreventionGenetics, part of Exact Sciences
Classification: Likely benign for CFTR-related condition. Last evaluated: 2022-02-22. Review status: no assertion criteria provided. Collection method: clinical testing. Allele origin: germline.
Comment: This variant is classified as likely benign based on ACMG/AMP sequence variant interpretation guidelines (Richards et al. 2015 PMID: 25741868, with internal and published modifications).

NC_000007.14:g.117479598C>T

Genes: CFTR (CF transmembrane conductance regulator; plus strand), LOC111674463 (CFTR promoter region; plus strand). Cytogenetic location: 7q31.2.
Variant type: single nucleotide variant.
Genome position: GRCh38 VCF-style: chr7-117479598-C-T. GRCh37 (hg19) VCF-style: chr7-117119652-C-T.
Identifiers: ClinVar variation 3030210 (VCV003030210.2), dbSNP rs1377916663, ClinGen allele CA832112555.